The following is an entry in ClinVar:

ClinVar aggregate classification (germline): Conflicting classifications of pathogenicity. Review status: criteria provided, conflicting classifications (1 of 4 stars). 6 submissions from 6 submitters: Uncertain significance (1); Benign (1); Likely benign (3). 1 of the submissions does not count toward it. Last evaluated 2026-01-05.

Conditions:
Inborn genetic diseases. Identifiers: MedGen C0950123, MeSH D030342.
Intellectual disability. Also called: Intellectual developmental disorder; intellectual disabilities; Intellectual functioning disability. Identifiers: MedGen C3714756, MeSH D008607, MONDO:0001071, HP:0001249.

Allele frequency attached by ClinVar (database versions not stated): gnomAD exomes 0.00008 and 0.00011; ExAC 0.00010; TOPMed 0.00014; ESP Exome Variant Server 0.00023.
gnomAD v4.1: 138 of 1,612,462 alleles (0.0086%); highest among the groups gnomAD compares: Middle Eastern, 0.35%; no homozygotes.

Submissions (7):

Labcorp Genetics (formerly Invitae), Labcorp
Classification: Benign. Last evaluated: 2026-01-05. Review status: criteria provided, single submitter. Criteria: Invitae Variant Classification Sherloc (09022015). Collection method: clinical testing. Allele origin: germline.

Blueprint Genetics
Classification: Likely benign. Last evaluated: 2024-11-27. Review status: criteria provided, single submitter. Criteria: ACMG Guidelines, 2015. Collection method: clinical testing. Allele origin: germline.

CeGaT Center for Human Genetics Tuebingen
Classification: Likely benign. Last evaluated: 2024-09-01. Review status: criteria provided, single submitter. Criteria: CeGaT Center For Human Genetics Tuebingen Variant Classification Criteria Version 2. Collection method: clinical testing. Allele origin: germline. Affected: yes. Observed: 4 variant alleles.
Comment: PACS2: BS1

Ambry Genetics
Classification: Likely benign for Inborn genetic diseases. Last evaluated: 2023-11-21. Review status: criteria provided, single submitter. Criteria: Ambry Variant Classification Scheme 2023. Collection method: clinical testing. Allele origin: germline.

Breakthrough Genomics
Classification: Uncertain significance. Review status: criteria provided, single submitter. Criteria: ACMG Guidelines, 2015. Collection method: not provided. Allele origin: germline. Inheritance: Autosomal dominant inheritance. Affected: yes.

Centre de Biologie Pathologie Génétique, Centre Hospitalier Universitaire de Lille
Classification: Likely benign for Intellectual disability. Last evaluated: 2019-01-01. Review status: no assertion criteria provided. Collection method: clinical testing. Allele origin: inherited. Affected: yes. Not counted in ClinVar's aggregate classification.

Dr. Peter K. Rogan Lab, Western University
No classification provided (evidence only). Condition: Sarcoma. Review status: no classification provided. Collection method: in vitro. Allele origin: not applicable. Functional consequence: skipped exon. Not counted in ClinVar's aggregate classification.

NM_001100913.3(PACS2):c.1197T>G (p.Asp399Glu)

Gene: PACS2 (phosphofurin acidic cluster sorting protein 2; plus strand). Cytogenetic location: 14q32.33.
Variant type: single nucleotide variant.
Coding change: c.1197T>G on transcript NM_001100913.3 (MANE Select); coding-DNA position 1197, T replaced by G.
Protein change: p.Asp399Glu; replaces aspartic acid 399 with glutamic acid.
Molecular consequence: missense variant.
Genome position (GRCh38, 1-based): chr14:105,381,028, T>G. VCF-style: chr14-105381028-T-G. GRCh37 (hg19) VCF-style: chr14-105847365-T-G.
Other names: c.972T>G, p.Asp324Glu (NM_001243127.3); c.1197T>G, p.Asp399Glu (NM_015197.4); short protein forms D324E, D399E.
Identifiers: ClinVar variation 975464 (VCV000975464.35), dbSNP rs199748488, ClinGen allele CA7388745.
Genomic context (GRCh38, chr14:105,381,028, plus strand): 5'-CCCGAGGGAGCACCCTGGACAGCCTGAGGACAGCCCCGAGGCTGAGGCCTCCACCCTGGA[T>G]GTGTTCACGGAGAGGCTGCCGCCCAGCGGGAGGATCACCAAGACAGAGTCCCTTGTCATC-3'
Protein context (NP_001094383.2, residues 389-409): DSPEAEASTL[Asp399Glu]VFTERLPPSG